The following is an entry in ClinVar:

NM_000455.5(STK11):c.465-1G>T

Gene: STK11 (serine/threonine kinase 11; plus strand). Cytogenetic location: 19p13.3.
Variant type: single nucleotide variant.
Coding change: c.465-1G>T on transcript NM_000455.5 (MANE Select); the canonical splice acceptor site of the intron before coding-DNA position 465, G replaced by T.
Molecular consequence: splice acceptor variant.
Genome position (GRCh38, 1-based): chr19:1,220,372, G>T. VCF-style: chr19-1220372-G-T. GRCh37 (hg19) VCF-style: chr19-1220371-G-T.
Other names: NC_000019.9:g.1220371G>T; c.465-1G>T (NM_001407255.1).
Identifiers: ClinVar variation 4176615 (VCV004176615.2).

ClinVar aggregate classification (germline): Likely pathogenic (1 of 4 stars; one submission).

Conditions:
Hereditary cancer-predisposing syndrome. Also called: Neoplastic Syndromes, Hereditary; Tumor predisposition; Hereditary Cancer Syndrome; Hereditary neoplastic syndrome. Identifiers: Orphanet 140162, MedGen C0027672, MeSH D009386, MONDO:0015356.

Submissions (4):

Ambry Genetics
Classification: Likely pathogenic for Hereditary cancer-predisposing syndrome. Last evaluated: 2025-08-05. Review status: criteria provided, single submitter. Criteria: Ambry Variant Classification Scheme 2023. Collection method: clinical testing. Allele origin: germline.
Comment: The c.465-1G>T intronic variant results from a G to T substitution one nucleotide upstream from coding exon 4 of the STK11 gene. This variant is considered to be rare based on population cohorts in the Genome Aggregation Database (gnomAD). This nucleotide position is highly conserved in available vertebrate species. In silico splice site analysis predicts that this alteration will weaken the native splice acceptor site and will result in the creation or strengthening of a novel splice acceptor site. Alterations that disrupt the canonical splice site are expected to cause aberrant splicing, resulting in an abnormal protein or a transcript that is subject to nonsense-mediated mRNA decay. As such, this alteration is classified as likely pathogenic.

Dr. Peter K. Rogan Lab, Western University
No classification provided (evidence only). Condition: Lung cancer. Review status: no classification provided. Collection method: in vitro. Allele origin: not applicable. Functional consequence: skipped exon, retained intron. Not counted in ClinVar's aggregate classification.

Dr. Peter K. Rogan Lab, Western University
No classification provided (evidence only). Condition: Lung cancer. Review status: no classification provided. Collection method: in vitro. Allele origin: not applicable. Functional consequence: skipped exon, retained intron. Not counted in ClinVar's aggregate classification.

Dr. Peter K. Rogan Lab, Western University
No classification provided (evidence only). Condition: Thyroid cancer, nonmedullary, 1. Review status: no classification provided. Collection method: in vitro. Allele origin: not applicable. Functional consequence: skipped exon. Not counted in ClinVar's aggregate classification.